The following is an entry in ClinVar:

NM_001130823.3(DNMT1):c.242A>G (p.Lys81Arg)

Gene: DNMT1 (DNA methyltransferase 1; minus strand). Cytogenetic location: 19p13.2.
Variant type: single nucleotide variant.
Coding change: c.242A>G on transcript NM_001130823.3 (MANE Select); coding-DNA position 242, A replaced by G.
Protein change: p.Lys81Arg; replaces lysine 81 with arginine.
Molecular consequence: missense variant. On other transcripts: intron variant (1).
Genome position (GRCh38, 1-based): chr19:10,180,553, T>C on the plus strand (A>G on the coding strand, the complement: DNMT1 is on the minus strand). VCF-style: chr19-10180553-T-C. GRCh37 (hg19) VCF-style: chr19-10291229-T-C.
Other names: c.242A>G, p.Lys81Arg (NM_001318730.2, NM_001379.4); c.-98-24A>G (NM_001318731.2); short protein forms K81R.
Identifiers: ClinVar variation 4084943 (VCV004084943.8).

ClinVar aggregate classification (germline): Uncertain significance (1 of 4 stars; one submission).

gnomAD v4.1: 1 of 1,614,154 alleles (0.000062%); highest among the groups gnomAD compares: Non-Finnish European, 0.000085%; no homozygotes.

Submission:

CeGaT Center for Human Genetics Tuebingen
Classification: Uncertain significance. Last evaluated: 2025-06-01. Review status: criteria provided, single submitter. Criteria: CeGaT Center For Human Genetics Tuebingen Variant Classification Criteria Version 2. Collection method: clinical testing. Allele origin: germline. Affected: yes. Observed: 1 variant allele.
Comment: DNMT1: PM2:Supporting